The following is an entry in ClinVar:

ClinVar aggregate classification (germline): Likely benign (1 of 4 stars; one submission).

gnomAD v4.1: 162 of 1,467,912 alleles (0.011%); highest among the groups gnomAD compares: Non-Finnish European, 0.014%; no homozygotes.

Submission:

CeGaT Center for Human Genetics Tuebingen
Classification: Likely benign. Last evaluated: 2026-08-01. Review status: criteria provided, single submitter. Criteria: CeGaT Center For Human Genetics Tuebingen Variant Classification Criteria Version 2. Collection method: clinical testing. Allele origin: germline. Affected: yes. Observed: 2 variant alleles.
Comment: MLXIPL: BP4, BP7

NM_032951.3(MLXIPL):c.1413C>T (p.Pro471=)

Gene: MLXIPL (MLX interacting protein like; minus strand). Cytogenetic location: 7q11.23.
Variant type: single nucleotide variant.
Coding change: c.1413C>T on transcript NM_032951.3 (MANE Select); coding-DNA position 1413, C replaced by T.
Protein change: p.Pro471=; no amino-acid change (proline 471 retained).
Molecular consequence: synonymous variant. On other transcripts: non-coding transcript variant (1).
Genome position (GRCh38, 1-based): chr7:73,597,372, G>A on the plus strand (C>T on the coding strand, the complement: MLXIPL is on the minus strand). VCF-style: chr7-73597372-G-A. GRCh37 (hg19) VCF-style: chr7-73011702-G-A.
Other names: c.1413C>T, p.Pro471= (NM_032952.3, NM_032953.3, NM_032954.3).
Identifiers: ClinVar variation 4822252 (VCV004822252.4).